The following is an entry in ClinVar:

NM_000038.6(APC):c.4969_4980del (p.Leu1657_Leu1660del)

Gene: APC (APC regulator of Wnt signaling pathway; plus strand). Cytogenetic location: 5q22.2.
Variant type: Deletion.
Coding change: c.4969_4980del on transcript NM_000038.6 (MANE Select); coding-DNA positions 4969 to 4980, 12 bases deleted (CTAAGTGATCTA).
Protein change: p.Leu1657_Leu1660del.
Molecular consequence: inframe deletion.
Genome position (GRCh38, 1-based): chr5:112,840,563-112,840,574, CTAAGTGATCTA deleted. VCF-style (leftmost placement, unchanged base first): chr5-112840562-TCTAAGTGATCTA-T. GRCh37 (hg19) VCF-style: chr5-112176259-TCTAAGTGATCTA-T.
Other names: c.4969_4980del, p.Leu1657_Leu1660del (NM_001127510.3, NM_001354895.2); c.4915_4926del, p.Leu1639_Leu1642del (NM_001127511.3); c.5023_5034del, p.Leu1675_Leu1678del (NM_001354896.2); c.4999_5010del, p.Leu1667_Leu1670del (NM_001354897.2); c.4894_4905del, p.Leu1632_Leu1635del (NM_001354898.2); c.4885_4896del, p.Leu1629_Leu1632del (NM_001354899.2); c.4846_4857del, p.Leu1616_Leu1619del (NM_001354900.2); c.4792_4803del, p.Leu1598_Leu1601del (NM_001354901.2); and 5 more.
Identifiers: ClinVar variation 1472681 (VCV001472681.8), dbSNP rs2149928834, ClinGen allele CA2573138714.

ClinVar aggregate classification (germline): Uncertain significance (1 of 4 stars; one submission).

Conditions:
Familial adenomatous polyposis 1 (FAP1). Also called: FAMILIAL ADENOMATOUS POLYPOSIS 1, ATTENUATED; POLYPOSIS, ADENOMATOUS INTESTINAL. Identifiers: MedGen C2713442, MONDO:0021056, OMIM 175100. Disease mechanism: loss of function.

Submission:

Labcorp Genetics (formerly Invitae), Labcorp
Classification: Uncertain significance for Familial adenomatous polyposis 1. Last evaluated: 2025-09-08. Review status: criteria provided, single submitter. Criteria: Invitae Variant Classification Sherloc (09022015). Collection method: clinical testing. Allele origin: germline.
Comment: This variant, c.4969_4980del, results in the deletion of 4 amino acid(s) of the APC protein (p.Leu1657_Leu1660del), but otherwise preserves the integrity of the reading frame. This variant is not present in population databases (gnomAD no frequency). This variant has not been reported in the literature in individuals affected with APC-related conditions. ClinVar contains an entry for this variant (Variation ID: 1472681). Experimental studies and prediction algorithms are not available or were not evaluated, and the functional significance of this variant is currently unknown. In summary, the available evidence is currently insufficient to determine the role of this variant in disease. Therefore, it has been classified as a Variant of Uncertain Significance.